The following is an entry in ClinVar:

ClinVar aggregate classification (germline): Uncertain significance. Review status: criteria provided, multiple submitters, no conflicts (2 of 4 stars). 3 submissions from 3 submitters: Uncertain significance (3). Last evaluated 2023-04-24.

Conditions:
Cerebellar dysfunction with variable cognitive and behavioral abnormalities (CECBA). Also called: Nonprogressive cerebellar atxia with intellectual disability. Identifiers: Orphanet 314647, MedGen C3553661, MONDO:0013886, OMIM 614756.

Allele frequency attached by ClinVar (database versions not stated): gnomAD exomes below 0.00001 and 0.00001; ExAC 0.00002; TOPMed 0.00004; gnomAD 0.00005.
gnomAD v4.1: 10 of 1,613,846 alleles (0.00062%); highest among the groups gnomAD compares: African/African-American, 0.011%; no homozygotes.

Submissions (3):

Labcorp Genetics (formerly Invitae), Labcorp
Classification: Uncertain significance. Last evaluated: 2023-04-24. Review status: criteria provided, single submitter. Criteria: Invitae Variant Classification Sherloc (09022015). Collection method: clinical testing. Allele origin: germline.
Comment: This variant has not been reported in the literature in individuals affected with CAMTA1-related conditions. In summary, the available evidence is currently insufficient to determine the role of this variant in disease. Therefore, it has been classified as a Variant of Uncertain Significance. An algorithm developed to predict the effect of missense changes on protein structure and function (PolyPhen-2) suggests that this variant is likely to be disruptive. ClinVar contains an entry for this variant (Variation ID: 1029370). This variant is present in population databases (rs755920468, gnomAD 0.02%). This sequence change replaces valine, which is neutral and non-polar, with methionine, which is neutral and non-polar, at codon 240 of the CAMTA1 protein (p.Val240Met).

Women's Health and Genetics/Laboratory Corporation of America, LabCorp
Classification: Uncertain significance. Last evaluated: 2023-01-16. Review status: criteria provided, single submitter. Criteria: LabCorp Variant Classification Summary - May 2015. Collection method: clinical testing. Allele origin: germline.
Comment: Variant summary: CAMTA1 c.718G>A (p.Val240Met) results in a conservative amino acid change in the encoded protein sequence. Three of five in-silico tools predict a damaging effect of the variant on protein function. The variant allele was found at a frequency of 8e-06 in 251168 control chromosomes. The available data on variant occurrences in the general population are insufficient to allow any conclusion about variant significance. To our knowledge, no occurrence of c.718G>A in individuals affected with Nonprogressive Cerebellar Atxia With Intellectual Disability and no experimental evidence demonstrating its impact on protein function have been reported. One clinical diagnostic laboratory has submitted clinical-significance assessments for this variant to ClinVar after 2014 without evidence for independent evaluation. One laboratory classified the variant as uncertain significance. Based on the evidence outlined above, the variant was classified as uncertain significance.

Baylor Genetics
Classification: Uncertain significance for Cerebellar dysfunction with variable cognitive and behavioral abnormalities. Last evaluated: 2020-02-27. Review status: criteria provided, single submitter. Criteria: ACMG Guidelines, 2015. Collection method: clinical testing. Allele origin: unknown. Affected: yes.
Comment: This variant was determined to be of uncertain significance according to ACMG Guidelines, 2015 [PMID:25741868].

NM_015215.4(CAMTA1):c.718G>A (p.Val240Met)

Gene: CAMTA1 (calmodulin binding transcription activator 1; plus strand). Cytogenetic location: 1p36.23.
Variant type: single nucleotide variant.
Coding change: c.718G>A on transcript NM_015215.4 (MANE Select); coding-DNA position 718, G replaced by A.
Protein change: p.Val240Met; replaces valine 240 with methionine.
Molecular consequence: missense variant.
Genome position (GRCh38, 1-based): chr1:7,661,779, G>A. VCF-style: chr1-7661779-G-A. GRCh37 (hg19) VCF-style: chr1-7721839-G-A.
Other names: c.718G>A (NM_015215.3); c.628G>A, p.Val210Met (NM_001349608.2, NM_001349612.2); c.718G>A, p.Val240Met (NM_001349609.2, NM_001349610.2); short protein forms V240M, V210M.
Identifiers: ClinVar variation 1029370 (VCV001029370.10), dbSNP rs755920468, ClinGen allele CA566249.
Genomic context (GRCh38, chr1:7,661,779, plus strand): 5'-TTCACAGTCCATGGCATCAAGTGGACCTGCAGCAATGGGAACAGCAGCTCAGGCTTCTCG[G>A]TGGAACAGCTGGTGCAGCAGATCCTCGACAGCCACCAGACCAAGCCCCAGCCGCGGACCC-3'
Protein context (NP_056030.1, residues 230-250): SNGNSSSGFS[Val240Met]EQLVQQILDS